The following is an entry in ClinVar:

ClinVar aggregate classification (germline): Likely benign (1 of 4 stars; one submission).

Allele frequency attached by ClinVar (database versions not stated): ExAC 0.00001; gnomAD 0.00001; TOPMed 0.00001; 1000 Genomes Project 30x 0.00016; 1000 Genomes Project 0.00020.
gnomAD v4.1: 19 of 1,607,750 alleles (0.0012%); highest among the groups gnomAD compares: East Asian, 0.0068%; no homozygotes.

Submission:

CeGaT Center for Human Genetics Tuebingen
Classification: Likely benign. Last evaluated: 2024-05-01. Review status: criteria provided, single submitter. Criteria: CeGaT Center For Human Genetics Tuebingen Variant Classification Criteria Version 2. Collection method: clinical testing. Allele origin: germline. Affected: yes. Observed: 1 variant allele.
Comment: ADAMTS2: BP4, BP7

NM_014244.5(ADAMTS2):c.2916C>T (p.Arg972=)

Gene: ADAMTS2 (ADAM metallopeptidase with thrombospondin type 1 motif 2; minus strand). Cytogenetic location: 5q35.3.
Variant type: single nucleotide variant.
Coding change: c.2916C>T on transcript NM_014244.5 (MANE Select); coding-DNA position 2916, C replaced by T.
Protein change: p.Arg972=; no amino-acid change (arginine 972 retained).
Molecular consequence: synonymous variant.
Genome position (GRCh38, 1-based): chr5:179,125,015, G>A on the plus strand (C>T on the coding strand, the complement: ADAMTS2 is on the minus strand). VCF-style: chr5-179125015-G-A. GRCh37 (hg19) VCF-style: chr5-178552016-G-A.
Identifiers: ClinVar variation 3239240 (VCV003239240.19), dbSNP rs201390812.